The following is an entry in ClinVar:

NM_005045.4(RELN):c.6256G>A (p.Gly2086Ser)

Gene: RELN (reelin; minus strand). Cytogenetic location: 7q22.1.
Variant type: single nucleotide variant.
Coding change: c.6256G>A on transcript NM_005045.4 (MANE Select); coding-DNA position 6256, G replaced by A.
Protein change: p.Gly2086Ser; replaces glycine 2086 with serine.
Molecular consequence: missense variant.
Genome position (GRCh38, 1-based): chr7:103,551,113, C>T on the plus strand (G>A on the coding strand, the complement: RELN is on the minus strand). VCF-style: chr7-103551113-C-T. GRCh37 (hg19) VCF-style: chr7-103191560-C-T.
Other names: c.6256G>A, p.Gly2086Ser (NM_173054.3); short protein forms G2086S.
Identifiers: ClinVar variation 969011 (VCV000969011.9), dbSNP rs752958202, ClinGen allele CA4420995.
Genomic context (GRCh38, chr7:103,551,113, plus strand): 5'-CAGCGGGTCCTTACCCACAAAGGTGCAGCTTCCCAAAGTGCACGACCTCCCTCCTCCAGC[C>T]CTGCATGGTTCCTGCGTAGTAGGTGCTGCTGGGGTGGTGCTCGGTGGAGCATAAAGAGCT-3'
Protein context (NP_005036.2, residues 2076-2096): SSTYYAGTMQ[Gly2086Ser]WRREVVHFGK

ClinVar aggregate classification (germline): Uncertain significance (1 of 4 stars; one submission).

Conditions:
Norman-Roberts syndrome (LIS2). Also called: Lissencephaly 2 (Norman-Roberts type). Identifiers: Orphanet 89844, MedGen C0796089, MONDO:0009760, OMIM 257320.
Familial temporal lobe epilepsy 7. Identifiers: Orphanet 101046, MedGen C4225327, MONDO:0014639, OMIM 616436.

Allele frequency attached by ClinVar (database versions not stated): TOPMed below 0.00001; gnomAD 0.00001; gnomAD exomes 0.00001 and 0.00002; ExAC 0.00003.
gnomAD v4.1: 18 of 1,613,878 alleles (0.0011%); highest among the groups gnomAD compares: Non-Finnish European, 0.0014%; no homozygotes.

Submission:

Labcorp Genetics (formerly Invitae), Labcorp
Classification: Uncertain significance for Familial temporal lobe epilepsy 7; Norman-Roberts syndrome. Last evaluated: 2024-04-24. Review status: criteria provided, single submitter. Criteria: Invitae Variant Classification Sherloc (09022015). Collection method: clinical testing. Allele origin: germline.
Comment: This sequence change replaces glycine, which is neutral and non-polar, with serine, which is neutral and polar, at codon 2086 of the RELN protein (p.Gly2086Ser). This variant is present in population databases (rs752958202, gnomAD 0.005%). This variant has not been reported in the literature in individuals affected with RELN-related conditions. ClinVar contains an entry for this variant (Variation ID: 969011). Advanced modeling of protein sequence and biophysical properties (such as structural, functional, and spatial information, amino acid conservation, physicochemical variation, residue mobility, and thermodynamic stability) performed at Invitae indicates that this missense variant is not expected to disrupt RELN protein function with a negative predictive value of 80%. In summary, the available evidence is currently insufficient to determine the role of this variant in disease. Therefore, it has been classified as a Variant of Uncertain Significance.